The following is an entry in ClinVar:

ClinVar aggregate classification (germline): Uncertain significance (1 of 4 stars; one submission).

Conditions:
Pheochromocytoma. Also called: MAX-Related Hereditary Paraganglioma-Pheochromocytoma Syndrome. Identifiers: Orphanet 29072, MedGen C0031511, MONDO:0008233, OMIM 171300, HP:0002666.
Gastrointestinal stromal tumor. Also called: Gastrointestinal stromal tumor, somatic; Gastrointestinal stroma tumor. Identifiers: Orphanet 44890, MedGen C0238198, MeSH D046152, MONDO:0011719, OMIM 606764, HP:0100723.
Pheochromocytoma/paraganglioma syndrome 4. Also called: CAROTID BODY TUMORS AND MULTIPLE EXTRAADRENAL PHEOCHROMOCYTOMAS; PARAGANGLIOMA, FAMILIAL MALIGNANT; PARAGANGLIOMAS, HEREDITARY EXTRAADRENAL; PHEOCHROMOCYTOMA, FAMILIAL EXTRAADRENAL; Paragangliomas 4; SDHB-Related Hereditary Paraganglioma-Pheochromocytoma Syndrome (Paragangliomas 4). Identifiers: Orphanet 29072, MedGen C1861848, MONDO:0007273, OMIM 115310.

Submission:

Labcorp Genetics (formerly Invitae), Labcorp
Classification: Uncertain significance for Gastrointestinal stromal tumor; Pheochromocytoma/paraganglioma syndrome 4; Pheochromocytoma. Last evaluated: 2023-10-24. Review status: criteria provided, single submitter. Criteria: Invitae Variant Classification Sherloc (09022015). Collection method: clinical testing. Allele origin: germline.
Comment: This sequence change replaces methionine, which is neutral and non-polar, with threonine, which is neutral and polar, at codon 71 of the SDHB protein (p.Met71Thr). This variant is not present in population databases (gnomAD no frequency). This variant has not been reported in the literature in individuals affected with SDHB-related conditions. Advanced modeling of protein sequence and biophysical properties (such as structural, functional, and spatial information, amino acid conservation, physicochemical variation, residue mobility, and thermodynamic stability) has been performed at Invitae for this missense variant, however the output from this modeling did not meet the statistical confidence thresholds required to predict the impact of this variant on SDHB protein function. In summary, the available evidence is currently insufficient to determine the role of this variant in disease. Therefore, it has been classified as a Variant of Uncertain Significance.

NM_003000.3(SDHB):c.212T>C (p.Met71Thr)

Gene: SDHB (succinate dehydrogenase complex iron sulfur subunit B; minus strand). Cytogenetic location: 1p36.13.
Variant type: single nucleotide variant.
Coding change: c.212T>C on transcript NM_003000.3 (MANE Select); coding-DNA position 212, T replaced by C.
Protein change: p.Met71Thr; replaces methionine 71 with threonine.
Molecular consequence: missense variant.
Genome position (GRCh38, 1-based): chr1:17,033,134, A>G on the plus strand (T>C on the coding strand, the complement: SDHB is on the minus strand). VCF-style: chr1-17033134-A-G. GRCh37 (hg19) VCF-style: chr1-17359629-A-G.
Other names: c.212T>C, p.Met71Thr (NM_001407361.1); short protein forms M71T.
Identifiers: ClinVar variation 2937482 (VCV002937482.3), dbSNP rs2525031743, ClinGen allele CA338276623.